The following is an entry in ClinVar:

NM_004360.5(CDH1):c.49-14T>C

Gene: CDH1 (cadherin 1; plus strand). Cytogenetic location: 16q22.1.
Variant type: single nucleotide variant.
Coding change: c.49-14T>C on transcript NM_004360.5 (MANE Select); 14 bases into the intron before coding-DNA position 49, T replaced by C.
Molecular consequence: intron variant.
Genome position (GRCh38, 1-based): chr16:68,738,283, T>C. VCF-style: chr16-68738283-T-C. GRCh37 (hg19) VCF-style: chr16-68772186-T-C.
Other names: c.-1567-14T>C (NM_001317185.2); c.-1771-14T>C (NM_001317186.2); c.49-14T>C (NM_001317184.2).
Identifiers: ClinVar variation 3378702 (VCV003378702.1).

ClinVar aggregate classification (germline): Likely benign (1 of 4 stars; one submission).

Conditions:
Hereditary diffuse gastric adenocarcinoma (HDGC). Also called: DIFFUSE GASTRIC AND LOBULAR BREAST CANCER SYNDROME. Identifiers: Orphanet 26106, MedGen C1708349, MONDO:0007648, OMIM 137215.

Submission:

Myriad Genetics, Inc.
Classification: Likely benign for Hereditary diffuse gastric adenocarcinoma. Last evaluated: 2024-09-11. Review status: criteria provided, single submitter. Criteria: Myriad Autosomal Dominant, Autosomal Recessive and X-Linked Classification Criteria (2023). Collection method: clinical testing. Allele origin: unknown.
Comment: This variant is considered likely benign. This variant is intronic and is not expected to impact mRNA splicing.